The following is an entry in ClinVar:

ClinVar aggregate classification (germline): Uncertain significance. Review status: criteria provided, single submitter (1 of 4 stars). 2 submissions from 2 submitters: Uncertain significance (1). 1 of the submissions does not count toward it. Last evaluated 2025-04-07.

Conditions:
Prostate cancer, hereditary, 1 (HPC1). Identifiers: Orphanet 1331, MedGen C4722327, MONDO:0011098, OMIM 601518.

Allele frequency attached by ClinVar (database versions not stated): gnomAD exomes below 0.00001.
gnomAD v4.1: 1 of 1,614,070 alleles (0.000062%); highest among the groups gnomAD compares: South Asian, 0.0011%; no homozygotes.

Submissions (2):

Labcorp Genetics (formerly Invitae), Labcorp
Classification: Uncertain significance. Last evaluated: 2025-04-07. Review status: criteria provided, single submitter. Criteria: Invitae Variant Classification Sherloc (09022015). Collection method: clinical testing. Allele origin: germline.
Comment: This sequence change replaces arginine, which is basic and polar, with glycine, which is neutral and non-polar, at codon 94 of the HOXB13 protein (p.Arg94Gly). This variant is not present in population databases (gnomAD no frequency). This variant has not been reported in the literature in individuals affected with HOXB13-related conditions. ClinVar contains an entry for this variant (Variation ID: 690690). Invitae Evidence Modeling of protein sequence and biophysical properties (such as structural, functional, and spatial information, amino acid conservation, physicochemical variation, residue mobility, and thermodynamic stability) indicates that this missense variant is not expected to disrupt HOXB13 protein function with a negative predictive value of 80%. In summary, the available evidence is currently insufficient to determine the role of this variant in disease. Therefore, it has been classified as a Variant of Uncertain Significance.

Laboratory of Virology, Microbiology,  Quality and Medical Biotechnologies, Faculty of Sciences and Techniques - Mohammedia, Hassan II University of Casablanca
Classification: Uncertain significance for Prostate cancer, hereditary, 1. Review status: no assertion criteria provided. Collection method: clinical testing. Allele origin: somatic. Affected: yes. Not counted in ClinVar's aggregate classification.

NM_006361.6(HOXB13):c.280C>G (p.Arg94Gly)

Gene: HOXB13 (homeobox B13; minus strand). Cytogenetic location: 17q21.32.
Variant type: single nucleotide variant.
Coding change: c.280C>G on transcript NM_006361.6 (MANE Select); coding-DNA position 280, C replaced by G.
Protein change: p.Arg94Gly; replaces arginine 94 with glycine.
Molecular consequence: missense variant.
Genome position (GRCh38, 1-based): chr17:48,728,314, G>C on the plus strand (C>G on the coding strand, the complement: HOXB13 is on the minus strand). VCF-style: chr17-48728314-G-C. GRCh37 (hg19) VCF-style: chr17-46805676-G-C.
Other names: short protein forms R94G.
Identifiers: ClinVar variation 690690 (VCV000690690.3), dbSNP rs1597934593, ClinGen allele CA400107778.